The following is an entry in ClinVar:

ClinVar aggregate classification (germline): Likely pathogenic (1 of 4 stars; one submission).

Conditions:
Hereditary diffuse gastric adenocarcinoma (HDGC). Also called: DIFFUSE GASTRIC AND LOBULAR BREAST CANCER SYNDROME. Identifiers: Orphanet 26106, MedGen C1708349, MONDO:0007648, OMIM 137215.

Submission:

Myriad Genetics, Inc.
Classification: Likely pathogenic for Hereditary diffuse gastric adenocarcinoma. Last evaluated: 2023-06-09. Review status: criteria provided, single submitter. Criteria: Myriad Autosomal Dominant, Autosomal Recessive and X-Linked Classification Criteria (2023). Collection method: clinical testing. Allele origin: unknown.
Comment: This variant is considered likely pathogenic. This variant occurs within a consensus splice junction and is predicted to result in abnormal mRNA splicing of either an out-of-frame exon or an in-frame exon necessary for protein stability and/or normal function.

NM_004360.5(CDH1):c.532-2A>G

Gene: CDH1 (cadherin 1; plus strand). Cytogenetic location: 16q22.1.
Variant type: single nucleotide variant.
Coding change: c.532-2A>G on transcript NM_004360.5 (MANE Select); the canonical splice acceptor site of the intron before coding-DNA position 532, A replaced by G.
Molecular consequence: splice acceptor variant.
Genome position (GRCh38, 1-based): chr16:68,808,691, A>G. VCF-style: chr16-68808691-A-G. GRCh37 (hg19) VCF-style: chr16-68842594-A-G.
Other names: c.-1084-2A>G (NM_001317185.2); c.-1288-2A>G (NM_001317186.2); c.532-2A>G (NM_001317184.2).
Identifiers: ClinVar variation 2584182 (VCV002584182.2), dbSNP rs2152130040, ClinGen allele CA396457831.